The following is an entry in ClinVar:

ClinVar aggregate classification (germline): Uncertain significance (1 of 4 stars; one submission).

Allele frequency attached by ClinVar (database versions not stated): TOPMed below 0.00001; ExAC 0.00001.
gnomAD v4.1: 14 of 1,612,032 alleles (0.00087%); highest among the groups gnomAD compares: Non-Finnish European, 0.0012%; no homozygotes.

Submission:

Labcorp Genetics (formerly Invitae), Labcorp
Classification: Uncertain significance. Last evaluated: 2023-11-16. Review status: criteria provided, single submitter. Criteria: Invitae Variant Classification Sherloc (09022015). Collection method: clinical testing. Allele origin: germline.
Comment: This sequence change replaces proline, which is neutral and non-polar, with serine, which is neutral and polar, at codon 12 of the RUNX2 protein (p.Pro12Ser). This variant is present in population databases (rs779487649, gnomAD 0.0009%). This variant has not been reported in the literature in individuals affected with RUNX2-related conditions. An algorithm developed to predict the effect of missense changes on protein structure and function (PolyPhen-2) suggests that this variant is likely to be disruptive. In summary, the available evidence is currently insufficient to determine the role of this variant in disease. Therefore, it has been classified as a Variant of Uncertain Significance.

NM_001024630.4(RUNX2):c.34C>T (p.Pro12Ser)

Genes: RUNX2 (RUNX family transcription factor 2; plus strand), SUPT3H (SPT3 homolog, SAGA and STAGA complex component; minus strand). Cytogenetic location: 6p21.1.
Variant type: single nucleotide variant.
Coding change: c.34C>T on transcript NM_001024630.4 (MANE Select); coding-DNA position 34, C replaced by T.
Protein change: p.Pro12Ser; replaces proline 12 with serine.
Molecular consequence: missense variant. On other transcripts: non-coding transcript variant (2), intron variant (8).
Genome position (GRCh38, 1-based): chr6:45,328,760, C>T. VCF-style: chr6-45328760-C-T. GRCh37 (hg19) VCF-style: chr6-45296497-C-T.
Other names: c.34C>T, p.Pro12Ser (NM_001015051.4); c.-73+36441G>A (NM_001350327.2); c.101+36441G>A (NM_001350325.2, NM_003599.4, NM_001350324.2 and 1 more transcripts); c.-265+36441G>A (NM_001261823.2); c.-51-5793G>A (NM_181356.3, NM_001350326.2); short protein forms P12S.
Identifiers: ClinVar variation 3012176 (VCV003012176.3), dbSNP rs779487649, ClinGen allele CA3836181.